The following is an entry in ClinVar:

ClinVar aggregate classification (germline): Benign. Review status: criteria provided, single submitter (1 of 4 stars). 2 submissions from 2 submitters: Benign (1). 1 of the submissions does not count toward it. Last evaluated 2025-07-21.

Conditions:
MACF1-related disorder. Also called: MACF1-related condition.

Allele frequency attached by ClinVar (database versions not stated): gnomAD exomes 0.00002; ExAC 0.00012; gnomAD 0.00027; 1000 Genomes Project 30x 0.00031; TOPMed 0.00032; ESP Exome Variant Server 0.00038; 1000 Genomes Project 0.00040.
gnomAD v4.1: 85 of 1,613,612 alleles (0.0053%); highest among the groups gnomAD compares: African/African-American, 0.088%; no homozygotes.

Submissions (2):

Labcorp Genetics (formerly Invitae), Labcorp
Classification: Benign. Last evaluated: 2025-07-21. Review status: criteria provided, single submitter. Criteria: Invitae Variant Classification Sherloc (09022015). Collection method: clinical testing. Allele origin: germline.

PreventionGenetics, part of Exact Sciences
Classification: Likely benign for MACF1-related condition. Last evaluated: 2019-05-24. Review status: no assertion criteria provided. Collection method: clinical testing. Allele origin: germline. Not counted in ClinVar's aggregate classification.
Comment: This variant is classified as likely benign based on ACMG/AMP sequence variant interpretation guidelines (Richards et al. 2015 PMID: 25741868, with internal and published modifications).

NM_001394062.1(MACF1):c.12480A>G (p.Gln4160=)

Gene: MACF1 (microtubule actin crosslinking factor 1; plus strand). Cytogenetic location: 1p34.3.
Variant type: single nucleotide variant.
Coding change: c.12480A>G on transcript NM_001394062.1 (MANE Select); coding-DNA position 12480, A replaced by G.
Protein change: p.Gln4160=; no amino-acid change (glutamine 4160 retained).
Molecular consequence: synonymous variant.
Genome position (GRCh38, 1-based): chr1:39,361,386, A>G. VCF-style: chr1-39361386-A-G. GRCh37 (hg19) VCF-style: chr1-39827058-A-G.
Other names: c.6294A>G, p.Gln2098= (NM_012090.5).
Identifiers: ClinVar variation 2064191 (VCV002064191.6), dbSNP rs148941386, ClinGen allele CA781825.
Genomic context (GRCh38, chr1:39,361,386, plus strand): 5'-AACCAGGAGCTGACAGACGTGTTCTTCATGACAGAAATTGAAGCAGGACATTGCTCGGCA[A>G]AAGAGCAGCTTGGAGGCCACCCGTGAGATGGTGACCCGATTCATGGAGACAGCAGACAGT-3'
Protein context (NP_001380991.1, residues 4150-4170): NMKLKQDIAR[Gln4160=]KSSLEATREM